The following is an entry in ClinVar:

NM_002471.4(MYH6):c.1298A>T (p.Tyr433Phe)

Gene: MYH6 (myosin heavy chain 6; minus strand). Cytogenetic location: 14q11.2.
Variant type: single nucleotide variant.
Coding change: c.1298A>T on transcript NM_002471.4 (MANE Select); coding-DNA position 1298, A replaced by T.
Protein change: p.Tyr433Phe; replaces tyrosine 433 with phenylalanine.
Molecular consequence: missense variant.
Genome position (GRCh38, 1-based): chr14:23,400,821, T>A on the plus strand (A>T on the coding strand, the complement: MYH6 is on the minus strand). VCF-style: chr14-23400821-T-A. GRCh37 (hg19) VCF-style: chr14-23870030-T-A.
Other names: short protein forms Y433F.
Identifiers: ClinVar variation 4077314 (VCV004077314.1).

ClinVar aggregate classification (germline): Uncertain significance (1 of 4 stars; one submission).

Submission:

GeneDx
Classification: Uncertain significance. Last evaluated: 2025-02-26. Review status: criteria provided, single submitter. Criteria: GeneDx Variant Classification Process June 2021. Collection method: clinical testing. Allele origin: germline. Affected: yes.
Comment: Not observed at significant frequency in large population cohorts (gnomAD); In silico analysis supports that this missense variant has a deleterious effect on protein structure/function; Has not been previously published as pathogenic or benign to our knowledge